The following is an entry in ClinVar:

NM_000292.3(PHKA2):c.218A>G (p.Lys73Arg)

Gene: PHKA2 (phosphorylase kinase regulatory subunit alpha 2; minus strand). Cytogenetic location: Xp22.13.
Variant type: single nucleotide variant.
Coding change: c.218A>G on transcript NM_000292.3 (MANE Select); coding-DNA position 218, A replaced by G.
Protein change: p.Lys73Arg; replaces lysine 73 with arginine.
Molecular consequence: missense variant.
Genome position (GRCh38, 1-based): chrX:18,954,273, T>C on the plus strand (A>G on the coding strand, the complement: PHKA2 is on the minus strand). VCF-style: chrX-18954273-T-C. GRCh37 (hg19) VCF-style: chrX-18972391-T-C.
Other names: short protein forms K73R.
Identifiers: ClinVar variation 2008126 (VCV002008126.4), dbSNP rs1432665300, ClinGen allele CA412377203.

ClinVar aggregate classification (germline): Uncertain significance (1 of 4 stars; one submission).

Conditions:
Glycogen storage disease IXa1. Also called: GLYCOGEN STORAGE DISEASE VIII; GSD VIII; Glycogen storage disease 8; LIVER GLYCOGENOSIS, X-LINKED, TYPE I. Identifiers: Orphanet 264580, MedGen C3694531, MONDO:0010598, OMIM 306000.

Allele frequency attached by ClinVar (database versions not stated): gnomAD exomes below 0.00001.
gnomAD v4.1: 2 of 1,211,900 alleles (0.00017%); highest among the groups gnomAD compares: South Asian, 0.0035%; no homozygotes.

Submission:

Labcorp Genetics (formerly Invitae), Labcorp
Classification: Uncertain significance for Glycogen storage disease IXa1. Last evaluated: 2022-09-09. Review status: criteria provided, single submitter. Criteria: Invitae Variant Classification Sherloc (09022015). Collection method: clinical testing. Allele origin: germline.
Comment: This sequence change replaces lysine, which is basic and polar, with arginine, which is basic and polar, at codon 73 of the PHKA2 protein (p.Lys73Arg). The frequency data for this variant in the population databases is considered unreliable, as metrics indicate poor data quality at this position in the gnomAD database. This variant has not been reported in the literature in individuals affected with PHKA2-related conditions. Advanced modeling of protein sequence and biophysical properties (such as structural, functional, and spatial information, amino acid conservation, physicochemical variation, residue mobility, and thermodynamic stability) performed at Invitae indicates that this missense variant is not expected to disrupt PHKA2 protein function. In summary, the available evidence is currently insufficient to determine the role of this variant in disease. Therefore, it has been classified as a Variant of Uncertain Significance.